The following is an entry in ClinVar:

ClinVar aggregate classification (germline): Uncertain significance. Review status: criteria provided, multiple submitters, no conflicts (2 of 4 stars). 4 submissions from 4 submitters: Uncertain significance (3). 1 of the submissions does not count toward it. Last evaluated 2024-10-29.

Conditions:
SAMD9-related disorder. Also called: SAMD9-related condition.

Submissions (4):

GeneDx
Classification: Uncertain significance. Last evaluated: 2024-10-29. Review status: criteria provided, single submitter. Criteria: GeneDx Variant Classification Process June 2021. Collection method: clinical testing. Allele origin: germline. Affected: yes.
Comment: Not observed at significant frequency in large population cohorts (gnomAD); Has not been previously published as pathogenic or benign to our knowledge; Frameshift variant predicted to result in abnormal protein length as the last 605 amino acid(s) are replaced with 2 different amino acid(s) with an unclear effect on protein function; This variant is associated with the following publications: (PMID: 28545555)

Labcorp Genetics (formerly Invitae), Labcorp
Classification: Uncertain significance. Last evaluated: 2024-04-10. Review status: criteria provided, single submitter. Criteria: Invitae Variant Classification Sherloc (09022015). Collection method: clinical testing. Allele origin: germline.
Comment: This sequence change creates a premature translational stop signal (p.His985Thrfs*3) in the SAMD9 gene. While this is not anticipated to result in nonsense mediated decay, it is expected to disrupt the last 605 amino acid(s) of the SAMD9 protein. This variant is present in population databases (rs774215434, gnomAD 0.002%). This variant has not been reported in the literature in individuals affected with SAMD9-related conditions. ClinVar contains an entry for this variant (Variation ID: 871429). Experimental studies and prediction algorithms are not available or were not evaluated, and the functional significance of this variant is currently unknown. In summary, the available evidence is currently insufficient to determine the role of this variant in disease. Therefore, it has been classified as a Variant of Uncertain Significance.

CeGaT Center for Human Genetics Tuebingen
Classification: Uncertain significance. Last evaluated: 2019-11-01. Review status: criteria provided, single submitter. Criteria: CeGaT Center For Human Genetics Tuebingen Variant Classification Criteria Version 2. Collection method: clinical testing. Allele origin: germline. Affected: yes. Observed: 1 variant allele.

PreventionGenetics, part of Exact Sciences
Classification: Uncertain significance for SAMD9-related condition. Last evaluated: 2024-08-15. Review status: no assertion criteria provided. Collection method: clinical testing. Allele origin: germline. Not counted in ClinVar's aggregate classification.
Comment: The SAMD9 c.2952delT variant is predicted to result in a frameshift and premature protein termination (p.Ile984Ilefs*4). To our knowledge, this variant has not been reported in the literature. This variant is reported in 0.0023% of alleles in individuals of European (Non-Finnish) descent in gnomAD. Loss of function is not an established mechanism of SAMD9-related disease. Although we suspect that this variant may be pathogenic, at this time, the clinical significance of this variant is uncertain due to the absence of conclusive functional and genetic evidence.

NM_017654.4(SAMD9):c.2952del (p.His985fs)

Gene: SAMD9 (sterile alpha motif domain containing 9; minus strand). Cytogenetic location: 7q21.2.
Variant type: Deletion.
Coding change: c.2952del on transcript NM_017654.4 (MANE Select); coding-DNA position 2952, one base deleted (T; older notation c.2952delT).
Protein change: p.His985fs; shifts the reading frame from histidine 985.
Molecular consequence: frameshift variant.
Genome position (GRCh38, 1-based): chr7:93,103,146, A deleted on the plus strand (T on the coding strand, the reverse complement: SAMD9 is on the minus strand); the first of 2 consecutive A bases (chr7:93,103,146-93,103,147); deleting either gives the same sequence. VCF-style (leftmost placement, unchanged base first): chr7-93103145-GA-G. GRCh37 (hg19) VCF-style: chr7-92732458-GA-G.
Other names: c.2952del (NM_017654.3); c.2952del, p.His985fs (NM_001193307.2); c.2952delT (NM_017654.3); short protein forms H985fs.
Identifiers: ClinVar variation 871429 (VCV000871429.46), dbSNP rs774215434, ClinGen allele CA4342768.